The following is an entry in ClinVar:

ClinVar aggregate classification (germline): Uncertain significance (1 of 4 stars; one submission).

gnomAD v4.1: 2 of 1,576,286 alleles (0.00013%); highest among the groups gnomAD compares: Non-Finnish European, 0.00017%; no homozygotes.

Submission:

GeneDx
Classification: Uncertain significance. Last evaluated: 2026-03-07. Review status: criteria provided, single submitter. Criteria: GeneDx Variant Classification Process June 2021. Collection method: clinical testing. Allele origin: germline.
Comment: Not observed at significant frequency in large population cohorts (gnomAD); In silico analysis suggests that this missense variant does not alter protein structure/function; Has not been previously published as pathogenic or benign to our knowledge

NM_001270.4(CHD1):c.1211C>G (p.Ala404Gly)

Gene: CHD1 (chromodomain helicase DNA binding protein 1; minus strand). Cytogenetic location: 5q15.
Variant type: single nucleotide variant.
Coding change: c.1211C>G on transcript NM_001270.4 (MANE Select); coding-DNA position 1211, C replaced by G.
Protein change: p.Ala404Gly; replaces alanine 404 with glycine.
Molecular consequence: missense variant. On other transcripts: non-coding transcript variant (2).
Genome position (GRCh38, 1-based): chr5:98,898,410, G>C on the plus strand (C>G on the coding strand, the complement: CHD1 is on the minus strand). VCF-style: chr5-98898410-G-C. GRCh37 (hg19) VCF-style: chr5-98234114-G-C.
Other names: c.1211C>G, p.Ala404Gly (NM_001364113.3, NM_001376194.2); short protein forms A404G.
Identifiers: ClinVar variation 5008638 (VCV005008638.1).
Genomic context (GRCh38, chr5:98,898,410, plus strand): 5'-TCCCAGCTGCACTCTGAGTATGGAAGGCCCTGCCATTTGCAGTAATAATCAGGATAACCA[G>C]CTGCTGACTTTTGATTGGAATGAGCTGTGAGAGAATCAGGCATTTACTTATTTATTTATT-3'
Protein context (NP_001261.2, residues 394-414): IIAHSNQKSA[Ala404Gly]GYPDYYCKWQ